The following is an entry in ClinVar:

ClinVar aggregate classification (germline): Uncertain significance (1 of 4 stars; one submission).

Submission:

Ambry Genetics
Classification: Uncertain significance. Last evaluated: 2026-08-03. Review status: criteria provided, single submitter. Criteria: Ambry Variant Classification Scheme 2023. Collection method: clinical testing. Allele origin: germline.
Comment: The p.P1419L variant (also known as c.4256C>T), located in coding exon 14 of the CDK12 gene, results from a C to T substitution at nucleotide position 4256. The proline at codon 1419 is replaced by leucine, an amino acid with similar properties. This amino acid position is conserved. In addition, this alteration is predicted to be tolerated by in silico analysis. Based on the available evidence, the clinical significance of this variant remains unclear.

NM_016507.4(CDK12):c.4256C>T (p.Pro1419Leu)

Gene: CDK12 (cyclin dependent kinase 12; plus strand). Cytogenetic location: 17q12.
Variant type: single nucleotide variant.
Coding change: c.4256C>T on transcript NM_016507.4 (MANE Select); coding-DNA position 4256, C replaced by T.
Protein change: p.Pro1419Leu; replaces proline 1419 with leucine.
Molecular consequence: missense variant.
Genome position (GRCh38, 1-based): chr17:39,531,099, C>T. VCF-style: chr17-39531099-C-T. GRCh37 (hg19) VCF-style: chr17-37687352-C-T.
Other names: c.4229C>T, p.Pro1410Leu (NM_015083.4); short protein forms P1410L, P1419L.
Identifiers: ClinVar variation 4224467 (VCV004224467.2).